The following is an entry in ClinVar:

ClinVar aggregate classification (germline): Uncertain significance. Review status: criteria provided, multiple submitters, no conflicts (2 of 4 stars). 3 submissions from 3 submitters: Uncertain significance (3). Last evaluated 2025-07-29.

Conditions:
Marfan syndrome (MFS). Also called: Marfan syndrome, classic; MARFAN SYNDROME, TYPE I; Marfan syndrome type 1; Marfan's syndrome; FBN1-Related Marfan Syndrome. Identifiers: Orphanet 284963, Orphanet 558, MedGen C0024796, MONDO:0007947, OMIM 154700.
Familial thoracic aortic aneurysm and aortic dissection (TAAD). Also called: Thoracic aortic aneurysms and dissections. Identifiers: Orphanet 91387, MedGen C4707243, MONDO:0019625.

Allele frequency attached by ClinVar (database versions not stated): gnomAD exomes below 0.00001; TOPMed below 0.00001.

Submissions (3):

Color Diagnostics, LLC DBA Color Health
Classification: Uncertain significance for Familial thoracic aortic aneurysm and aortic dissection. Last evaluated: 2025-07-29. Review status: criteria provided, single submitter. Criteria: ACMG Guidelines, 2015. Collection method: clinical testing. Allele origin: germline.
Comment: This missense variant replaces glutamine with arginine at codon 351 of the FBN1 protein. Computational prediction suggests that this variant may have a deleterious impact on protein structure and function. To our knowledge, functional studies have not been reported for this variant. This variant has been reported in an individual affected with aortic pneumothorax and other systemic involvement (PMID: 25944730). This variant has not been identified in the general population by the Genome Aggregation Database (gnomAD). The available evidence is insufficient to determine the role of this variant in disease conclusively. Therefore, this variant is classified as a Variant of Uncertain Significance.

All of Us Research Program, National Institutes of Health
Classification: Uncertain significance for Marfan syndrome. Last evaluated: 2023-08-15. Review status: criteria provided, single submitter. Criteria: ACMG Guidelines, 2015. Collection method: clinical testing. Allele origin: germline. Inheritance: Autosomal dominant inheritance. Observed: 1 variant allele, 1 heterozygote.
Comment: This missense variant replaces glutamine with arginine at codon 351 of the FBN1 protein. Computational prediction suggests that this variant may have deleterious impact on protein structure and function (internally defined REVEL score threshold >= 0.7, PMID: 27666373). To our knowledge, functional studies have not been reported for this variant. This variant has been reported in an individual affected with aortic pneumothorax and other systemic involvement (PMID: 25944730). This variant has not been identified in the general population by the Genome Aggregation Database (gnomAD). The available evidence is insufficient to determine the role of this variant in disease conclusively. Therefore, this variant is classified as a Variant of Uncertain Significance.

This study involves interpretation of variants in research participants for the purpose of population health screening. Participant phenotype was not available at the time of variant classification. Additional details can be found in publication PMID: 35346344, PMCID: PMC8962531

AiLife Diagnostics
Classification: Uncertain significance. Last evaluated: 2021-07-12. Review status: criteria provided, single submitter. Criteria: ACMG Guidelines, 2015. Collection method: clinical testing. Allele origin: germline. Affected: yes. Observed: 1 variant allele.

Literature cited by the submitters: PubMed 25944730 (cited by 3 submitters).

NM_000138.5(FBN1):c.1052A>G (p.Gln351Arg)

Genes: FBN1 (fibrillin 1; minus strand), LOC113939944 (Sharpr-MPRA regulatory region 9539; plus strand). Cytogenetic location: 15q21.1.
Variant type: single nucleotide variant.
Coding change: c.1052A>G on transcript NM_000138.5 (MANE Select); coding-DNA position 1052, A replaced by G.
Protein change: p.Gln351Arg; replaces glutamine 351 with arginine.
Molecular consequence: missense variant.
Genome position (GRCh38, 1-based): chr15:48,520,754, T>C on the plus strand (A>G on the coding strand, the complement: FBN1 is on the minus strand). VCF-style: chr15-48520754-T-C. GRCh37 (hg19) VCF-style: chr15-48812951-T-C.
Other names: short protein forms Q351R.
Identifiers: ClinVar variation 1677349 (VCV001677349.3), dbSNP rs794728163, ClinGen allele CA011904.